The following is an entry in ClinVar:

ClinVar aggregate classification (germline): Likely benign. Review status: criteria provided, multiple submitters, no conflicts (2 of 4 stars). 2 submissions from 2 submitters: Likely benign (2). Last evaluated 2026-01-07.

Conditions:
CDON-related disorder. Also called: CDON-related condition.
Holoprosencephaly 11 (HPE11). Identifiers: Orphanet 2162, MedGen C3280215, MONDO:0013642, OMIM 614226.

Submissions (2):

Labcorp Genetics (formerly Invitae), Labcorp
Classification: Likely benign for Holoprosencephaly 11. Last evaluated: 2026-01-07. Review status: criteria provided, single submitter. Criteria: Invitae Variant Classification Sherloc (09022015). Collection method: clinical testing. Allele origin: germline.

PreventionGenetics, part of Exact Sciences
Classification: Likely benign for CDON-related condition. Last evaluated: 2024-12-04. Review status: criteria provided, single submitter. Criteria: ACMG Guidelines, 2015. Collection method: clinical testing. Allele origin: germline.
Comment: This variant is classified as likely benign based on ACMG/AMP sequence variant interpretation guidelines (Richards et al. 2015 PMID: 25741868, with internal and published modifications).

NM_001378964.1(CDON):c.77-9C>A

Gene: CDON (cell adhesion associated, oncogene regulated; minus strand). Cytogenetic location: 11q24.2.
Variant type: single nucleotide variant.
Coding change: c.77-9C>A on transcript NM_001378964.1 (MANE Select); 9 bases into the intron before coding-DNA position 77, C replaced by A.
Molecular consequence: intron variant.
Genome position (GRCh38, 1-based): chr11:126,021,529, G>T on the plus strand (C>A on the coding strand, the complement: CDON is on the minus strand). VCF-style: chr11-126021529-G-T. GRCh37 (hg19) VCF-style: chr11-125891424-G-T.
Other names: c.77-9C>A (NM_001441166.1, NM_016952.6, NM_001243597.3 and 6 more transcripts).
Identifiers: ClinVar variation 4804280 (VCV004804280.2).
Genomic context (GRCh38, chr11:126,021,529, plus strand): 5'-CCAAGTTTCTGGACAGCAGAGAGCGGCTCAGAAGTAAAATAAGGTGCCAAGTCTACAAGG[G>T]AATATTCCCCATATGCAAAGAAAGCAGGGGAGAAAAGAGGAGAGAGAAAGAAGATTACAT-3'